The following is an entry in ClinVar:

NM_001184.4(ATR):c.2078T>C (p.Ile693Thr)

Gene: ATR (ATR checkpoint kinase; minus strand). Cytogenetic location: 3q23.
Variant type: single nucleotide variant.
Coding change: c.2078T>C on transcript NM_001184.4 (MANE Select); coding-DNA position 2078, T replaced by C.
Protein change: p.Ile693Thr; replaces isoleucine 693 with threonine.
Molecular consequence: missense variant.
Genome position (GRCh38, 1-based): chr3:142,556,383, A>G on the plus strand (T>C on the coding strand, the complement: ATR is on the minus strand). VCF-style: chr3-142556383-A-G. GRCh37 (hg19) VCF-style: chr3-142275225-A-G.
Other names: c.1886T>C, p.Ile629Thr (NM_001354579.2); short protein forms I629T, I693T.
Identifiers: ClinVar variation 835169 (VCV000835169.11), dbSNP rs185048028, ClinGen allele CA2650445.

ClinVar aggregate classification (germline): Uncertain significance. Review status: criteria provided, multiple submitters, no conflicts (2 of 4 stars). 2 submissions from 2 submitters: Uncertain significance (2). Last evaluated 2025-06-04.

Conditions:
Seckel syndrome 1 (SCKL1). Also called: MICROCEPHALIC PRIMORDIAL DWARFISM I. Identifiers: Orphanet 808, MedGen C4551474, MONDO:0008869, OMIM 210600.
Familial cutaneous telangiectasia and oropharyngeal predisposition cancer syndrome. Identifiers: Orphanet 313846, MedGen C3281203, MONDO:0013806, OMIM 614564.

Allele frequency attached by ClinVar (database versions not stated): gnomAD exomes below 0.00001 and 0.00003; ExAC 0.00005; gnomAD 0.00006; TOPMed 0.00006; ESP Exome Variant Server 0.00015; 1000 Genomes Project 30x 0.00016; 1000 Genomes Project 0.00020.
gnomAD v4.1: 16 of 1,611,532 alleles (0.00099%); highest among the groups gnomAD compares: African/African-American, 0.017%; no homozygotes.

Submissions (2):

Labcorp Genetics (formerly Invitae), Labcorp
Classification: Uncertain significance. Last evaluated: 2025-06-04. Review status: criteria provided, single submitter. Criteria: Invitae Variant Classification Sherloc (09022015). Collection method: clinical testing. Allele origin: germline.
Comment: This sequence change replaces isoleucine, which is neutral and non-polar, with threonine, which is neutral and polar, at codon 693 of the ATR protein (p.Ile693Thr). This variant is present in population databases (rs185048028, gnomAD 0.04%). This variant has not been reported in the literature in individuals affected with ATR-related conditions. ClinVar contains an entry for this variant (Variation ID: 835169). An algorithm developed to predict the effect of missense changes on protein structure and function (PolyPhen-2) suggests that this variant is likely to be tolerated. In summary, the available evidence is currently insufficient to determine the role of this variant in disease. Therefore, it has been classified as a Variant of Uncertain Significance.

Fulgent Genetics
Classification: Uncertain significance for Seckel syndrome 1; Familial cutaneous telangiectasia and oropharyngeal predisposition cancer syndrome. Last evaluated: 2024-04-08. Review status: criteria provided, single submitter. Criteria: ACMG Guidelines, 2015. Collection method: clinical testing. Allele origin: germline.